The following is an entry in ClinVar:

ClinVar aggregate classification (germline): Likely benign (0 of 4 stars; one submission).

Conditions:
FREM2-related disorder. Also called: FREM2-related condition.

Allele frequency attached by ClinVar (database versions not stated): gnomAD exomes below 0.00001; ExAC 0.00001.

Submission:

PreventionGenetics, part of Exact Sciences
Classification: Likely benign for FREM2-related condition. Last evaluated: 2022-06-13. Review status: no assertion criteria provided. Collection method: clinical testing. Allele origin: germline.
Comment: This variant is classified as likely benign based on ACMG/AMP sequence variant interpretation guidelines (Richards et al. 2015 PMID: 25741868, with internal and published modifications).

NM_207361.6(FREM2):c.4575C>T (p.Ser1525=)

Gene: FREM2 (FRAS1 related extracellular matrix 2; plus strand). Cytogenetic location: 13q13.3.
Variant type: single nucleotide variant.
Coding change: c.4575C>T on transcript NM_207361.6 (MANE Select); coding-DNA position 4575, C replaced by T.
Protein change: p.Ser1525=; no amino-acid change (serine 1525 retained).
Molecular consequence: synonymous variant.
Genome position (GRCh38, 1-based): chr13:38,691,919, C>T. VCF-style: chr13-38691919-C-T. GRCh37 (hg19) VCF-style: chr13-39266056-C-T.
Identifiers: ClinVar variation 3029006 (VCV003029006.2), dbSNP rs746185604, ClinGen allele CA6955026.